The following is an entry in ClinVar:

ClinVar aggregate classification (germline): Uncertain significance (0 of 4 stars; one submission).

Conditions:
Complex cortical dysplasia with other brain malformations 1. Identifiers: Orphanet 300570, MedGen C3808397, MONDO:0013541, OMIM 614039.

Allele frequency attached by ClinVar (database versions not stated): gnomAD exomes below 0.00001.

Submission:

Clinical Genomics Laboratory, Stanford Medicine
Classification: Uncertain significance for Complex cortical dysplasia with other brain malformations 1. Last evaluated: 2021-06-04. Review status: no assertion criteria provided. Collection method: clinical testing. Allele origin: germline. Inheritance: Autosomal dominant inheritance. Affected: yes. Observed: 1 heterozygote.
Comment: This variant was absent from large population databases, including the Genome Aggregation Database. Computational tools predict that this variant is deleterious; however, the accuracy of in silico algorithms is limited. These data were assessed using the ACMG/AMP variant interpretation guidelines. In summary, the significance of the p.Ser115Leu variant is uncertain. Additional information is needed to resolve the significance of this variant. [ACMG evidence codes used: PS2_supporting, PM2, PP3]

NM_006086.4(TUBB3):c.344C>T (p.Ser115Leu)

Gene: TUBB3 (tubulin beta 3 class III; plus strand). Cytogenetic location: 16q24.3.
Variant type: single nucleotide variant.
Coding change: c.344C>T on transcript NM_006086.4 (MANE Select); coding-DNA position 344, C replaced by T.
Protein change: p.Ser115Leu; replaces serine 115 with leucine.
Molecular consequence: missense variant.
Genome position (GRCh38, 1-based): chr16:89,934,795, C>T. VCF-style: chr16-89934795-C-T. GRCh37 (hg19) VCF-style: chr16-90001203-C-T.
Other names: p.Ser115Leu; c.128C>T, p.Ser43Leu (NM_001197181.2); short protein forms S115L, S43L.
Identifiers: ClinVar variation 2683751 (VCV002683751.1), dbSNP rs2544627103, ClinGen allele CA397474258.